The following is an entry in ClinVar:

ClinVar aggregate classification (germline): Benign/Likely benign. Review status: criteria provided, multiple submitters, no conflicts (2 of 4 stars). 4 submissions from 4 submitters: Benign (1); Likely benign (3). Last evaluated 2025-05-20.

Conditions:
Hereditary cancer-predisposing syndrome. Also called: Neoplastic Syndromes, Hereditary; Tumor predisposition; Hereditary Cancer Syndrome; Hereditary neoplastic syndrome. Identifiers: Orphanet 140162, MedGen C0027672, MeSH D009386, MONDO:0015356.
Familial cancer of breast. Also called: BREAST CANCER, FAMILIAL; Hereditary breast cancer; hereditary breast carcinoma. Identifiers: Orphanet 227535, MedGen C0346153, MONDO:0016419, OMIM 114480. Disease mechanism: loss of function.
Ataxia-telangiectasia syndrome (AT). Also called: LOUIS-BAR SYNDROME; Ataxia-telangiectasia, complementation group D; ATAXIA-TELANGIECTASIA, COMPLEMENTATION GROUP A; ATAXIA-TELANGIECTASIA, FRESNO VARIANT; Ataxia-telangiectasia; Ataxia telangiectasia (A-T). Identifiers: Orphanet 100, MedGen C0004135, MONDO:0008840, OMIM 208900.

Allele frequency attached by ClinVar (database versions not stated): gnomAD exomes below 0.00001.
gnomAD v4.1: 2 of 1,614,040 alleles (0.00012%); highest among the groups gnomAD compares: Non-Finnish European, 0.00017%; no homozygotes.

Submissions (4):

Color Diagnostics, LLC DBA Color Health
Classification: Likely benign for Hereditary cancer-predisposing syndrome. Last evaluated: 2025-05-20. Review status: criteria provided, single submitter. Criteria: ACMG Guidelines, 2015. Collection method: clinical testing. Allele origin: germline.

Center for Genomic Medicine, Rigshospitalet, Copenhagen University Hospital
Classification: Likely benign. Last evaluated: 2025-03-04. Review status: criteria provided, single submitter. Criteria: ACMG Guidelines, 2015. Collection method: clinical testing. Allele origin: germline.

Labcorp Genetics (formerly Invitae), Labcorp
Classification: Likely benign for Ataxia-telangiectasia syndrome. Last evaluated: 2024-11-29. Review status: criteria provided, single submitter. Criteria: Invitae Variant Classification Sherloc (09022015). Collection method: clinical testing. Allele origin: germline.

Myriad Genetics, Inc.
Classification: Benign for Familial cancer of breast. Last evaluated: 2024-05-13. Review status: criteria provided, single submitter. Criteria: Myriad Autosomal Dominant, Autosomal Recessive and X-Linked Classification Criteria (2023). Collection method: clinical testing. Allele origin: unknown.
Comment: This variant is considered benign. This variant is a silent/synonymous amino acid change and it is not expected to impact splicing.

NM_000051.4(ATM):c.3051G>A (p.Gln1017=)

Gene: ATM (ATM serine/threonine kinase; plus strand). Cytogenetic location: 11q22.3.
Variant type: single nucleotide variant.
Coding change: c.3051G>A on transcript NM_000051.4 (MANE Select); coding-DNA position 3051, G replaced by A.
Protein change: p.Gln1017=; no amino-acid change (glutamine 1017 retained).
Molecular consequence: synonymous variant.
Genome position (GRCh38, 1-based): chr11:108,271,380, G>A. VCF-style: chr11-108271380-G-A. GRCh37 (hg19) VCF-style: chr11-108142107-G-A.
Other names: c.3051G>A, p.Gln1017= (NM_001351834.2).
Identifiers: ClinVar variation 2835104 (VCV002835104.7), dbSNP rs2135554502, ClinGen allele CA476674428.
Genomic context (GRCh38, chr11:108,271,380, plus strand): 5'-AGTGAAAAACCTAGGTCAAAGCAATATGGACTCTGAGAACACAAGGGATGCTCAAGGACA[G>A]TTTCTTACAGTAATTGGAGCATTTTGGTAGGTACAGTCTATTTTGTGGTCCTATTTTTCT-3'
Protein context (NP_000042.3, residues 1007-1027): DSENTRDAQG[Gln1017=]FLTVIGAFWH